The following is an entry in ClinVar:

ClinVar aggregate classification (germline): Likely benign (1 of 4 stars; one submission).

Allele frequency attached by ClinVar (database versions not stated): 1000 Genomes Project 0.00020; 1000 Genomes Project 30x 0.00031; ExAC 0.00077; gnomAD 0.00105; TOPMed 0.00109; ESP Exome Variant Server 0.00138; gnomAD exomes 0.00183.
gnomAD v4.1: 2,849 of 1,614,040 alleles (0.18%); highest among the groups gnomAD compares: Non-Finnish European, 0.22%; 3 homozygotes.

Submission:

CeGaT Center for Human Genetics Tuebingen
Classification: Likely benign. Last evaluated: 2022-11-01. Review status: criteria provided, single submitter. Criteria: CeGaT Center For Human Genetics Tuebingen Variant Classification Criteria Version 2. Collection method: clinical testing. Allele origin: germline. Affected: yes. Observed: 1 variant allele.
Comment: NOL10: BP4, BP7

NM_024894.4(NOL10):c.1758A>G (p.Thr586=)

Gene: NOL10 (nucleolar protein 10; minus strand). Cytogenetic location: 2p25.1.
Variant type: single nucleotide variant.
Coding change: c.1758A>G on transcript NM_024894.4 (MANE Select); coding-DNA position 1758, A replaced by G.
Protein change: p.Thr586=; no amino-acid change (threonine 586 retained).
Molecular consequence: synonymous variant. On other transcripts: non-coding transcript variant (1).
Genome position (GRCh38, 1-based): chr2:10,589,129, T>C on the plus strand (A>G on the coding strand, the complement: NOL10 is on the minus strand). VCF-style: chr2-10589129-T-C. GRCh37 (hg19) VCF-style: chr2-10729255-T-C.
Other names: c.1680A>G, p.Thr560= (NM_001261392.2); c.1608A>G, p.Thr536= (NM_001261394.2).
Identifiers: ClinVar variation 2650678 (VCV002650678.24), dbSNP rs140097585, ClinGen allele CA1527227.